The following is an entry in ClinVar:

NM_017757.3(ZNF407):c.2933A>G (p.Asp978Gly)

Genes: ZNF407 (zinc finger protein 407; plus strand), LOC126862798 (MED14-independent group 3 enhancer GRCh37_chr18:72345358-72346557; plus strand). Cytogenetic location: 18q22.3.
Variant type: single nucleotide variant.
Coding change: c.2933A>G on transcript NM_017757.3 (MANE Select); coding-DNA position 2933, A replaced by G.
Protein change: p.Asp978Gly; replaces aspartic acid 978 with glycine.
Molecular consequence: missense variant.
Genome position (GRCh38, 1-based): chr18:74,633,952, A>G. VCF-style: chr18-74633952-A-G. GRCh37 (hg19) VCF-style: chr18-72345908-A-G.
Other names: c.2933A>G, p.Asp978Gly (NM_001146189.1, NM_001146190.1, NM_001384475.1); short protein forms D978G.
Identifiers: ClinVar variation 2623434 (VCV002623434.5), dbSNP rs1219485392, ClinGen allele CA402763078.

ClinVar aggregate classification (germline): Uncertain significance. Review status: criteria provided, multiple submitters, no conflicts (2 of 4 stars). 2 submissions from 2 submitters: Uncertain significance (2). Last evaluated 2023-09-13.

Allele frequency attached by ClinVar (database versions not stated): gnomAD exomes below 0.00001.
gnomAD v4.1: 7 of 1,614,046 alleles (0.00043%); highest among the groups gnomAD compares: Middle Eastern, 0.016%; no homozygotes.

Submissions (2):

Ambry Genetics
Classification: Uncertain significance. Last evaluated: 2023-09-13. Review status: criteria provided, single submitter. Criteria: Ambry Variant Classification Scheme 2023. Collection method: clinical testing. Allele origin: germline.

Labcorp Genetics (formerly Invitae), Labcorp
Classification: Uncertain significance. Last evaluated: 2023-07-13. Review status: criteria provided, single submitter. Criteria: Invitae Variant Classification Sherloc (09022015). Collection method: clinical testing. Allele origin: germline.
Comment: In summary, the available evidence is currently insufficient to determine the role of this variant in disease. Therefore, it has been classified as a Variant of Uncertain Significance. Algorithms developed to predict the effect of sequence changes on RNA splicing suggest that this variant may create or strengthen a splice site. Algorithms developed to predict the effect of missense changes on protein structure and function output the following: SIFT: "Not Available"; PolyPhen-2: "Benign"; Align-GVGD: "Not Available". The glycine amino acid residue is found in multiple mammalian species, which suggests that this missense change does not adversely affect protein function. This variant has not been reported in the literature in individuals affected with ZNF407-related conditions. This variant is present in population databases (no rsID available, gnomAD 0.0009%). This sequence change replaces aspartic acid, which is acidic and polar, with glycine, which is neutral and non-polar, at codon 978 of the ZNF407 protein (p.Asp978Gly).